The following is an entry in ClinVar:

ClinVar aggregate classification (germline): Uncertain significance. Review status: criteria provided, multiple submitters, no conflicts (2 of 4 stars). 3 submissions from 3 submitters: Uncertain significance (3). Last evaluated 2025-10-27.

Conditions:
Long QT syndrome (LQTS). Identifiers: MedGen C0023976, MeSH D008133, MONDO:0002442. Disease mechanism: loss of function. Inheritance: Various modes of inheritance.
Cardiovascular phenotype. Identifiers: MedGen CN230736.

Allele frequency attached by ClinVar (database versions not stated): TOPMed 0.00001.
gnomAD v4.1: 2 of 1,614,076 alleles (0.00012%); highest among the groups gnomAD compares: Non-Finnish European, 0.000085%; no homozygotes.

Submissions (3):

Labcorp Genetics (formerly Invitae), Labcorp
Classification: Uncertain significance for Long QT syndrome. Last evaluated: 2025-10-27. Review status: criteria provided, single submitter. Criteria: Invitae Variant Classification Sherloc (09022015). Collection method: clinical testing. Allele origin: germline.
Comment: This sequence change replaces alanine, which is neutral and non-polar, with serine, which is neutral and polar, at codon 2387 of the ANK2 protein (p.Ala2387Ser). This variant is not present in population databases (gnomAD no frequency). This variant has not been reported in the literature in individuals affected with ANK2-related conditions. ClinVar contains an entry for this variant (Variation ID: 1044747). An algorithm developed to predict the effect of missense changes on protein structure and function (PolyPhen-2) suggests that this variant is likely to be tolerated. In summary, the available evidence is currently insufficient to determine the role of this variant in disease. Therefore, it has been classified as a Variant of Uncertain Significance.

Ambry Genetics
Classification: Uncertain significance for Cardiovascular phenotype. Last evaluated: 2023-12-24. Review status: criteria provided, single submitter. Criteria: Ambry Variant Classification Scheme 2023. Collection method: clinical testing. Allele origin: germline.
Comment: The p.A2387S variant (also known as c.7159G>T), located in coding exon 38 of the ANK2 gene, results from a G to T substitution at nucleotide position 7159. The alanine at codon 2387 is replaced by serine, an amino acid with similar properties. This amino acid position is conserved. In addition, this alteration is predicted to be tolerated by in silico analysis. Since supporting evidence is limited at this time, the clinical significance of this alteration remains unclear.

GeneDx
Classification: Uncertain significance. Last evaluated: 2023-10-23. Review status: criteria provided, single submitter. Criteria: GeneDx Variant Classification Process June 2021. Collection method: clinical testing. Allele origin: germline. Affected: yes.
Comment: Not observed at significant frequency in large population cohorts (gnomAD); In silico analysis supports that this missense variant does not alter protein structure/function; Has not been previously published as pathogenic or benign to our knowledge; Located in exon 38, which is reported as being expressed in a brain-specific transcript (PMID: 1830053, 18790697, 26109584); This variant is associated with the following publications: (PMID: 1830053, 18790697, 26109584)

NM_001148.6(ANK2):c.7159G>T (p.Ala2387Ser)

Genes: ANK2 (ankyrin 2; plus strand), LOC126807137 (CDK7 strongly-dependent group 2 enhancer GRCh37_chr4:114276560-114277759; plus strand). Cytogenetic location: 4q26.
Variant type: single nucleotide variant.
Coding change: c.7159G>T on transcript NM_001148.6 (MANE Select); coding-DNA position 7159, G replaced by T.
Protein change: p.Ala2387Ser; replaces alanine 2387 with serine.
Molecular consequence: missense variant. On other transcripts: intron variant (68).
Genome position (GRCh38, 1-based): chr4:113,355,777, G>T. VCF-style: chr4-113355777-G-T. GRCh37 (hg19) VCF-style: chr4-114276933-G-T.
Other names: c.7159G>T (NM_001148.4); c.6925G>T, p.Ala2309Ser (NM_001386142.1); c.3559G>T, p.Ala1187Ser (NM_001386166.1); c.7300G>T, p.Ala2434Ser (NM_001386174.1); c.7276G>T, p.Ala2426Ser (NM_001386175.1); c.4412-5046G>T (NM_001386186.2, NM_001386148.2); c.4214-5046G>T (NM_001354269.3); c.4292-5046G>T (NM_001386187.2); and 36 more; short protein forms A1187S, A2426S, A2309S, A2434S, A2387S.
Identifiers: ClinVar variation 1044747 (VCV001044747.7), dbSNP rs781642042, ClinGen allele CA103815001.
Genomic context (GRCh38, chr4:113,355,777, plus strand): 5'-AGTGAGGTTCAAGAATCCACAGCCACCTCAGACGAGACAAAGGCCTTGCCGCTGCCTGAG[G>T]CTTCTGTAAAGACAGATACAGGAACTGAATCAAAACCTCAGGGAGTCATTAGAAGTCCCC-3'
Protein context (NP_001139.3, residues 2377-2397): DETKALPLPE[Ala2387Ser]SVKTDTGTES